The following is an entry in ClinVar:

NM_001374259.2(IL12RB2):c.2518C>T (p.Leu840Phe)

Gene: IL12RB2 (interleukin 12 receptor subunit beta 2; plus strand). Cytogenetic location: 1p31.3.
Variant type: single nucleotide variant.
Coding change: c.2518C>T on transcript NM_001374259.2 (MANE Select); coding-DNA position 2518, C replaced by T.
Protein change: p.Leu840Phe; replaces leucine 840 with phenylalanine.
Molecular consequence: missense variant. On other transcripts: 3 prime UTR variant (3), non-coding transcript variant (2).
Genome position (GRCh38, 1-based): chr1:67,396,018, C>T. VCF-style: chr1-67396018-C-T. GRCh37 (hg19) VCF-style: chr1-67861701-C-T.
Other names: c.*438C>T (NM_001258214.1, NM_001319233.1); c.2260C>T, p.Leu754Phe (NM_001258215.1); c.*419C>T (NM_001258216.1); c.2518C>T, p.Leu840Phe (NM_001559.3); short protein forms L840F, L754F.
Identifiers: ClinVar variation 1495788 (VCV001495788.9), dbSNP rs1666338305, ClinGen allele CA340736043.
Genomic context (GRCh38, chr1:67,396,018, plus strand): 5'-GAAGAACTGGAGCCTCAGCACATCTCCCTTTCTGTTTTCCCCTCAAGTTCTCTTCACCCA[C>T]TCACCTTCTCCTGTGGTGATAAGCTGACTCTGGATCAGTTAAAGATGAGGTGTGACTCCC-3'
Protein context (NP_001361188.1, residues 830-850): SVFPSSSLHP[Leu840Phe]TFSCGDKLTL

ClinVar aggregate classification (germline): Uncertain significance. Review status: criteria provided, multiple submitters, no conflicts (2 of 4 stars). 2 submissions from 2 submitters: Uncertain significance (2). Last evaluated 2021-12-20.

Allele frequency attached by ClinVar (database versions not stated): TOPMed below 0.00001.

Submissions (2):

Blueprint Genetics
Classification: Uncertain significance. Last evaluated: 2021-12-20. Review status: criteria provided, single submitter. Criteria: ACMG Guidelines, 2015. Collection method: clinical testing. Allele origin: germline.

Labcorp Genetics (formerly Invitae), Labcorp
Classification: Uncertain significance. Last evaluated: 2021-06-24. Review status: criteria provided, single submitter. Criteria: Invitae Variant Classification Sherloc (09022015). Collection method: clinical testing. Allele origin: germline.
Comment: In summary, the available evidence is currently insufficient to determine the role of this variant in disease. Therefore, it has been classified as a Variant of Uncertain Significance. Algorithms developed to predict the effect of missense changes on protein structure and function are either unavailable or do not agree on the potential impact of this missense change (SIFT: "Tolerated"; PolyPhen-2: "Probably Damaging"; Align-GVGD: "Class C0"). This variant has not been reported in the literature in individuals with IL12RB2-related conditions. This variant is not present in population databases (ExAC no frequency). This sequence change replaces leucine with phenylalanine at codon 840 of the IL12RB2 protein (p.Leu840Phe). The leucine residue is moderately conserved and there is a small physicochemical difference between leucine and phenylalanine.